The following is an entry in ClinVar:

NM_198465.4(NRK):c.2512+6T>G

Gene: NRK (Nik related kinase; plus strand). Cytogenetic location: Xq22.3.
Variant type: single nucleotide variant.
Coding change: c.2512+6T>G on transcript NM_198465.4 (MANE Select); 6 bases into the intron after coding-DNA position 2512, T replaced by G.
Molecular consequence: intron variant.
Genome position (GRCh38, 1-based): chrX:105,917,678, T>G. VCF-style: chrX-105917678-T-G. GRCh37 (hg19) VCF-style: chrX-105161670-T-G.
Identifiers: ClinVar variation 4851732 (VCV004851732.1).

ClinVar aggregate classification (germline): Uncertain significance (1 of 4 stars; one submission).

Submission:

Greenwood Genetic Center Diagnostic Laboratories, Greenwood Genetic Center
Classification: Uncertain significance. Last evaluated: 2025-03-11. Review status: criteria provided, single submitter. Criteria: ACMG Guidelines, 2015. Collection method: clinical testing. Allele origin: germline.
Comment: Gene of Uncertain Significance